The following is an entry in ClinVar:

NM_001127178.3(PIGG):c.2054G>A (p.Gly685Asp)

Gene: PIGG (phosphatidylinositol glycan anchor biosynthesis class G (EMM blood group); plus strand). Cytogenetic location: 4p16.3.
Variant type: single nucleotide variant.
Coding change: c.2054G>A on transcript NM_001127178.3 (MANE Select); coding-DNA position 2054, G replaced by A.
Protein change: p.Gly685Asp; replaces glycine 685 with aspartic acid.
Molecular consequence: missense variant. On other transcripts: non-coding transcript variant (6).
Genome position (GRCh38, 1-based): chr4:523,898, G>A. VCF-style: chr4-523898-G-A. GRCh37 (hg19) VCF-style: chr4-517687-G-A.
Other names: c.956G>A, p.Gly319Asp (NM_001345994.2); c.2030G>A, p.Gly677Asp (NM_017733.5); c.1787G>A, p.Gly596Asp (NM_001289051.2, NM_001345986.2); c.1655G>A, p.Gly552Asp (NM_001289052.2); c.1763G>A, p.Gly588Asp (NM_001345987.2); c.1025G>A, p.Gly342Asp (NM_001345988.2); c.521G>A, p.Gly174Asp (NM_001345990.2, NM_001345991.2); short protein forms G319D, G174D, G552D, G588D, G596D, G677D, G342D, G685D.
Identifiers: ClinVar variation 2088513 (VCV002088513.4), dbSNP rs2474939102, ClinGen allele CA355908036.

ClinVar aggregate classification (germline): Uncertain significance (1 of 4 stars; one submission).

Conditions:
Intellectual disability, autosomal recessive 53 (NEDHSCA). Also called: NEURODEVELOPMENTAL DISORDER WITH OR WITHOUT HYPOTONIA, SEIZURES, AND CEREBELLAR ATROPHY; GLYCOSYLPHOSPHATIDYLINOSITOL BIOSYNTHESIS DEFECT 13; Mental retardation, autosomal recessive 53. Identifiers: Orphanet 488635, MedGen C4310794, MONDO:0014832, OMIM 616917.

Allele frequency attached by ClinVar (database versions not stated): gnomAD exomes below 0.00001.
gnomAD v4.1: 1 of 1,529,884 alleles (0.000065%); highest among the groups gnomAD compares: Non-Finnish European, 0.000088%; no homozygotes.

Submission:

Labcorp Genetics (formerly Invitae), Labcorp
Classification: Uncertain significance for Intellectual disability, autosomal recessive 53. Last evaluated: 2022-01-21. Review status: criteria provided, single submitter. Criteria: Invitae Variant Classification Sherloc (09022015). Collection method: clinical testing. Allele origin: germline.
Comment: Algorithms developed to predict the effect of missense changes on protein structure and function are either unavailable or do not agree on the potential impact of this missense change (SIFT: "Deleterious"; PolyPhen-2: "Possibly Damaging"; Align-GVGD: "Class C0"). This variant has not been reported in the literature in individuals affected with PIGG-related conditions. This variant is not present in population databases (gnomAD no frequency). This sequence change replaces glycine, which is neutral and non-polar, with aspartic acid, which is acidic and polar, at codon 685 of the PIGG protein (p.Gly685Asp). In summary, the available evidence is currently insufficient to determine the role of this variant in disease. Therefore, it has been classified as a Variant of Uncertain Significance.